The following is an entry in ClinVar:

NM_005802.5(TOPORS):c.1238A>G (p.Gln413Arg)

Gene: TOPORS (TOP1 binding arginine/serine rich protein, E3 ubiquitin ligase; minus strand). Cytogenetic location: 9p21.1.
Variant type: single nucleotide variant.
Coding change: c.1238A>G on transcript NM_005802.5 (MANE Select); coding-DNA position 1238, A replaced by G.
Protein change: p.Gln413Arg; replaces glutamine 413 with arginine.
Molecular consequence: missense variant.
Genome position (GRCh38, 1-based): chr9:32,543,287, T>C on the plus strand (A>G on the coding strand, the complement: TOPORS is on the minus strand). VCF-style: chr9-32543287-T-C. GRCh37 (hg19) VCF-style: chr9-32543285-T-C.
Other names: c.1043A>G, p.Gln348Arg (NM_001195622.2); short protein forms Q348R, Q413R.
Identifiers: ClinVar variation 1716700 (VCV001716700.5), dbSNP rs61758062, ClinGen allele CA373170872.

ClinVar aggregate classification (germline): Uncertain significance (1 of 4 stars; one submission).

Submission:

Labcorp Genetics (formerly Invitae), Labcorp
Classification: Uncertain significance. Last evaluated: 2022-08-19. Review status: criteria provided, single submitter. Criteria: Invitae Variant Classification Sherloc (09022015). Collection method: clinical testing. Allele origin: germline.
Comment: This sequence change replaces glutamine, which is neutral and polar, with arginine, which is basic and polar, at codon 413 of the TOPORS protein (p.Gln413Arg). This variant is not present in population databases (gnomAD no frequency). This variant has not been reported in the literature in individuals affected with TOPORS-related conditions. Algorithms developed to predict the effect of missense changes on protein structure and function output the following: SIFT: "Tolerated"; PolyPhen-2: "Benign"; Align-GVGD: "Class C0". The arginine amino acid residue is found in multiple mammalian species, which suggests that this missense change does not adversely affect protein function. In summary, the available evidence is currently insufficient to determine the role of this variant in disease. Therefore, it has been classified as a Variant of Uncertain Significance.